The following is an entry in ClinVar:

ClinVar aggregate classification (germline): Uncertain significance (1 of 4 stars; one submission).

Allele frequency attached by ClinVar (database versions not stated): gnomAD 0.00001; gnomAD exomes 0.00001 and 0.00002; TOPMed 0.00001; ExAC 0.00004.
gnomAD v4.1: 19 of 1,608,194 alleles (0.0012%); highest among the groups gnomAD compares: South Asian, 0.0044%; no homozygotes.

Submission:

Labcorp Genetics (formerly Invitae), Labcorp
Classification: Uncertain significance. Last evaluated: 2020-07-08. Review status: criteria provided, single submitter. Criteria: Invitae Variant Classification Sherloc (09022015). Collection method: clinical testing. Allele origin: germline.
Comment: This sequence change replaces glycine with serine at codon 1063 of the ARHGEF18 protein (p.Gly1063Ser). The glycine residue is highly conserved and there is a small physicochemical difference between glycine and serine. This variant is present in population databases (rs374064244, ExAC 0.04%). This variant has not been reported in the literature in individuals with ARHGEF18-related conditions. Algorithms developed to predict the effect of missense changes on protein structure and function output the following: SIFT: "Tolerated"; PolyPhen-2: "Benign"; Align-GVGD: "Class C0". The serine amino acid residue is found in multiple mammalian species, suggesting that this missense change does not adversely affect protein function. These predictions have not been confirmed by published functional studies and their clinical significance is uncertain. In summary, the available evidence is currently insufficient to determine the role of this variant in disease. Therefore, it has been classified as a Variant of Uncertain Significance.

NM_001367823.1(ARHGEF18):c.3751G>A (p.Gly1251Ser)

Gene: ARHGEF18 (Rho/Rac guanine nucleotide exchange factor 18; plus strand). Cytogenetic location: 19p13.2.
Variant type: single nucleotide variant.
Coding change: c.3751G>A on transcript NM_001367823.1 (MANE Select); coding-DNA position 3751, G replaced by A.
Protein change: p.Gly1251Ser; replaces glycine 1251 with serine.
Molecular consequence: missense variant.
Genome position (GRCh38, 1-based): chr19:7,469,095, G>A. VCF-style: chr19-7469095-G-A. GRCh37 (hg19) VCF-style: chr19-7533981-G-A.
Other names: c.3025G>A, p.Gly1009Ser (NM_001130955.2); c.2713G>A, p.Gly905Ser (NM_001367824.1, NM_015318.4); short protein forms G1009S, G1251S, G905S.
Identifiers: ClinVar variation 1051774 (VCV001051774.7), dbSNP rs374064244, ClinGen allele CA9137230.